The following is an entry in ClinVar:

ClinVar aggregate classification (germline): Uncertain significance. Review status: criteria provided, multiple submitters, no conflicts (2 of 4 stars). 2 submissions from 2 submitters: Uncertain significance (2). Last evaluated 2026-07-07.

Conditions:
Familial adenomatous polyposis 1 (FAP1). Also called: FAMILIAL ADENOMATOUS POLYPOSIS 1, ATTENUATED; POLYPOSIS, ADENOMATOUS INTESTINAL. Identifiers: MedGen C2713442, MONDO:0021056, OMIM 175100. Disease mechanism: loss of function.
Hereditary cancer-predisposing syndrome. Also called: Tumor predisposition; Hereditary Cancer Syndrome; Hereditary neoplastic syndrome; Neoplastic Syndromes, Hereditary. Identifiers: Orphanet 140162, MedGen C0027672, MeSH D009386, MONDO:0015356.

Submissions (2):

Ambry Genetics
Classification: Uncertain significance for Hereditary cancer-predisposing syndrome. Last evaluated: 2026-07-07. Review status: criteria provided, single submitter. Criteria: Ambry Variant Classification Scheme 2023. Collection method: clinical testing. Allele origin: germline.
Comment: The p.S2280L variant (also known as c.6839C>T), located in coding exon 15 of the APC gene, results from a C to T substitution at nucleotide position 6839. The serine at codon 2280 is replaced by leucine, an amino acid with dissimilar properties. This amino acid position is conserved. In addition, in silico predictors for this gene do not accurately predict pathogenicity. Based on the available evidence, the clinical significance of this variant remains unclear.

Labcorp Genetics (formerly Invitae), Labcorp
Classification: Uncertain significance for Familial adenomatous polyposis 1. Last evaluated: 2022-02-27. Review status: criteria provided, single submitter. Criteria: Invitae Variant Classification Sherloc (09022015). Collection method: clinical testing. Allele origin: germline.
Comment: This variant is not present in population databases (gnomAD no frequency). This sequence change replaces serine, which is neutral and polar, with leucine, which is neutral and non-polar, at codon 2280 of the APC protein (p.Ser2280Leu). This variant has not been reported in the literature in individuals affected with APC-related conditions. Algorithms developed to predict the effect of missense changes on protein structure and function are either unavailable or do not agree on the potential impact of this missense change (SIFT: "Tolerated"; PolyPhen-2: "Possibly Damaging"; Align-GVGD: "Class C0"). In summary, the available evidence is currently insufficient to determine the role of this variant in disease. Therefore, it has been classified as a Variant of Uncertain Significance.

NM_000038.6(APC):c.6839C>T (p.Ser2280Leu)

Gene: APC (APC regulator of Wnt signaling pathway; plus strand). Cytogenetic location: 5q22.2.
Variant type: single nucleotide variant.
Coding change: c.6839C>T on transcript NM_000038.6 (MANE Select); coding-DNA position 6839, C replaced by T.
Protein change: p.Ser2280Leu; replaces serine 2280 with leucine.
Molecular consequence: missense variant.
Genome position (GRCh38, 1-based): chr5:112,842,433, C>T. VCF-style: chr5-112842433-C-T. GRCh37 (hg19) VCF-style: chr5-112178130-C-T.
Other names: c.6839C>T, p.Ser2280Leu (NM_001127510.3, NM_001354895.2, NM_001407450.1); c.6785C>T, p.Ser2262Leu (NM_001127511.3); c.6893C>T, p.Ser2298Leu (NM_001354896.2, NM_001407447.1, NM_001407448.1 and 1 more transcripts); c.6869C>T, p.Ser2290Leu (NM_001354897.2); c.6764C>T, p.Ser2255Leu (NM_001354898.2); c.6755C>T, p.Ser2252Leu (NM_001354899.2); c.6716C>T, p.Ser2239Leu (NM_001354900.2); c.6662C>T, p.Ser2221Leu (NM_001354901.2, NM_001407453.1); and 12 more; short protein forms S1896L, S2151L, S2154L, S2179L, S2189L, S2255L, S2280L, S1997L.
Identifiers: ClinVar variation 2104133 (VCV002104133.5), dbSNP rs2149974410, ClinGen allele CA16036262.